The following is an entry in ClinVar:

ClinVar aggregate classification (germline): Uncertain significance (1 of 4 stars; one submission).

Conditions:
Congenital disorder of glycosylation (CDG). Also called: Carbohydrate-deficient glycoprotein syndrome; Congenital disorders of glycosylation. Identifiers: Orphanet 137, MedGen C0282577, MONDO:0015286.

gnomAD v4.1: 3 of 1,614,064 alleles (0.00019%); highest among the groups gnomAD compares: Admixed American, 0.005%; no homozygotes.

Submission:

Labcorp Genetics (formerly Invitae), Labcorp
Classification: Uncertain significance for Congenital disorder of glycosylation. Last evaluated: 2025-08-21. Review status: criteria provided, single submitter. Criteria: Invitae Variant Classification Sherloc (09022015). Collection method: clinical testing. Allele origin: germline.
Comment: This sequence change replaces serine, which is neutral and polar, with cysteine, which is neutral and slightly polar, at codon 474 of the RPN2 protein (p.Ser474Cys). This variant is present in population databases (no rsID available, gnomAD 0.006%). This variant has not been reported in the literature in individuals affected with RPN2-related conditions. An algorithm developed to predict the effect of missense changes on protein structure and function (PolyPhen-2) suggests that this variant is likely to be disruptive. In summary, the available evidence is currently insufficient to determine the role of this variant in disease. Therefore, it has been classified as a Variant of Uncertain Significance.

NM_002951.5(RPN2):c.1421C>G (p.Ser474Cys)

Gene: RPN2 (ribophorin II; plus strand). Cytogenetic location: 20q11.23.
Variant type: single nucleotide variant.
Coding change: c.1421C>G on transcript NM_002951.5 (MANE Select); coding-DNA position 1421, C replaced by G.
Protein change: p.Ser474Cys; replaces serine 474 with cysteine.
Molecular consequence: missense variant.
Genome position (GRCh38, 1-based): chr20:37,228,671, C>G. VCF-style: chr20-37228671-C-G. GRCh37 (hg19) VCF-style: chr20-35857074-C-G.
Other names: c.1325C>G, p.Ser442Cys (NM_001135771.3); c.1421C>G, p.Ser474Cys (NM_001324299.2, NM_001324302.2, NM_001324303.2 and 1 more transcripts); c.1469C>G, p.Ser490Cys (NM_001324301.2, NM_001324305.2); c.950C>G, p.Ser317Cys (NM_001324306.2); short protein forms S490C, S317C, S474C, S442C.
Identifiers: ClinVar variation 4752091 (VCV004752091.1).